The following is an entry in ClinVar:

ClinVar aggregate classification (germline): Uncertain significance (1 of 4 stars; one submission).

Submission:

GeneDx
Classification: Uncertain significance. Last evaluated: 2023-06-16. Review status: criteria provided, single submitter. Criteria: GeneDx Variant Classification Process June 2021. Collection method: clinical testing. Allele origin: germline. Affected: yes.
Comment: Not observed at significant frequency in large population cohorts (gnomAD); In silico analysis supports that this missense variant does not alter protein structure/function; Has not been previously published as pathogenic or benign to our knowledge

NM_001020658.2(PUM1):c.1711G>T (p.Ala571Ser)

Gene: PUM1 (pumilio RNA binding family member 1; minus strand). Cytogenetic location: 1p35.2.
Variant type: single nucleotide variant.
Coding change: c.1711G>T on transcript NM_001020658.2 (MANE Select); coding-DNA position 1711, G replaced by T.
Protein change: p.Ala571Ser; replaces alanine 571 with serine.
Molecular consequence: missense variant.
Genome position (GRCh38, 1-based): chr1:30,967,245, C>A on the plus strand (G>T on the coding strand, the complement: PUM1 is on the minus strand). VCF-style: chr1-30967245-C-A. GRCh37 (hg19) VCF-style: chr1-31440092-C-A.
Other names: c.1711G>T, p.Ala571Ser (NM_014676.3); short protein forms A571S.
Identifiers: ClinVar variation 3360066 (VCV003360066.1).